The following is an entry in ClinVar:

NM_000901.5(NR3C2):c.2198C>T (p.Ala733Val)

Gene: NR3C2 (nuclear receptor subfamily 3 group C member 2; minus strand). Cytogenetic location: 4q31.23.
Variant type: single nucleotide variant.
Coding change: c.2198C>T on transcript NM_000901.5 (MANE Select); coding-DNA position 2198, C replaced by T.
Protein change: p.Ala733Val; replaces alanine 733 with valine.
Molecular consequence: missense variant. On other transcripts: intron variant (2).
Genome position (GRCh38, 1-based): chr4:148,154,718, G>A on the plus strand (C>T on the coding strand, the complement: NR3C2 is on the minus strand). VCF-style: chr4-148154718-G-A. GRCh37 (hg19) VCF-style: chr4-149075869-G-A.
Other names: c.2015-2105C>T (NM_001354819.1, NM_001166104.2); c.2198C>T (NM_000901.4); short protein forms A733V.
Identifiers: ClinVar variation 1964747 (VCV001964747.6), dbSNP rs1189474389, ClinGen allele CA358426548.

ClinVar aggregate classification (germline): Uncertain significance. Review status: criteria provided, multiple submitters, no conflicts (2 of 4 stars). 2 submissions from 2 submitters: Uncertain significance (2). Last evaluated 2024-11-14.

Allele frequency attached by ClinVar (database versions not stated): gnomAD 0.00001; gnomAD exomes 0.00001.
gnomAD v4.1: 11 of 1,613,316 alleles (0.00068%); highest among the groups gnomAD compares: Admixed American, 0.0017%; no homozygotes.

Submissions (2):

GeneDx
Classification: Uncertain significance. Last evaluated: 2024-11-14. Review status: criteria provided, single submitter. Criteria: GeneDx Variant Classification Process June 2021. Collection method: clinical testing. Allele origin: germline. Affected: yes.
Comment: Not observed at significant frequency in large population cohorts (gnomAD); In silico analysis indicates that this missense variant does not alter protein structure/function; Has not been previously published as pathogenic or benign to our knowledge

Labcorp Genetics (formerly Invitae), Labcorp
Classification: Uncertain significance. Last evaluated: 2023-12-11. Review status: criteria provided, single submitter. Criteria: Invitae Variant Classification Sherloc (09022015). Collection method: clinical testing. Allele origin: germline.
Comment: This sequence change replaces alanine, which is neutral and non-polar, with valine, which is neutral and non-polar, at codon 733 of the NR3C2 protein (p.Ala733Val). This variant is present in population databases (no rsID available, gnomAD 0.0009%). This variant has not been reported in the literature in individuals affected with NR3C2-related conditions. ClinVar contains an entry for this variant (Variation ID: 1964747). Advanced modeling of protein sequence and biophysical properties (such as structural, functional, and spatial information, amino acid conservation, physicochemical variation, residue mobility, and thermodynamic stability) performed at Invitae indicates that this missense variant is not expected to disrupt NR3C2 protein function with a negative predictive value of 80%. In summary, the available evidence is currently insufficient to determine the role of this variant in disease. Therefore, it has been classified as a Variant of Uncertain Significance.